The following is an entry in ClinVar:

NC_012920.1(MT-CYB):m.15500G>A

Gene: MT-CYB (mitochondrially encoded cytochrome b; plus strand).
Variant type: single nucleotide variant.
Genome position: chrM-15500-G-A.
Identifiers: ClinVar variation 693893 (VCV000693893.1), dbSNP rs1603225317, ClinGen allele CA913174037.
Genomic context (GRCh38, chrMT:15,500, plus strand): 5'-TTACTTCTCTTCCTTCTCTCCTTAATGACATTAACACTATTCTCACCAGACCTCCTAGGC[G>A]ACCCAGACAATTATACCCTAGCCAACCCCTTAAACACCCCTCCCCACATCAAGCCCGAAT-3'

ClinVar aggregate classification (germline): Uncertain significance (1 of 4 stars; one submission).

Conditions:
Leigh syndrome (NULS). Also called: Leigh's necrotizing encephalopathy; Leigh's disease; Leigh's syndrome; LEIGH SYNDROME, NUCLEAR; Leigh Syndrome (mtDNA deletion); Leigh Disease. Identifiers: Orphanet 506, MedGen C2931891, MONDO:0009723, OMIM 256000.

Submission:

Wong Mito Lab, Molecular and Human Genetics, Baylor College of Medicine
Classification: Uncertain significance for Leigh syndrome. Last evaluated: 2019-10-17. Review status: criteria provided, single submitter. Criteria: Modified ACMG Guidelines (Unpublished). Collection method: clinical testing. Allele origin: germline.
Comment: The NC_012920.1:m.15500G>A (YP_003024038.1:p.Asp252Asn) variant in MTCYB gene is interpretated to be a Uncertain Significance variant based on the modified ACMG guidelines (unpublished). This variant meets the following evidence codes: PM9, PP4, PP6